The following is an entry in ClinVar:

ClinVar aggregate classification (germline): Likely benign (0 of 4 stars; one submission).

Conditions:
H19-related disorder. Also called: H19-related condition.

Allele frequency attached by ClinVar (database versions not stated): ESP Exome Variant Server 0.00017.

Submission:

PreventionGenetics, part of Exact Sciences
Classification: Likely benign for H19-related condition. Last evaluated: 2019-03-20. Review status: no assertion criteria provided. Collection method: clinical testing. Allele origin: germline.
Comment: This variant is classified as likely benign based on ACMG/AMP sequence variant interpretation guidelines (Richards et al. 2015 PMID: 25741868, with internal and published modifications).

NR_002196.3(H19):n.1519C>T

Genes: H19 (H19 imprinted maternally expressed transcript; minus strand), HOTS (H19 opposite tumor suppressor; plus strand), MRPL23 (mitochondrial ribosomal protein L23; plus strand). Cytogenetic location: 11p15.5.
Variant type: single nucleotide variant.
Molecular consequence: non-coding transcript variant (on NR_002196.3). On other transcripts: intron variant (1).
Genome position: GRCh38 VCF-style: chr11-1996133-G-A. GRCh37 (hg19) VCF-style: chr11-2017363-G-A.
Other names: c.498-15408G>A (NM_001400176.1).
Identifiers: ClinVar variation 3045777 (VCV003045777.2), dbSNP rs369312603, ClinGen allele CA5817325.